The following is an entry in ClinVar:

NM_001394062.1(MACF1):c.11472C>T (p.Ala3824=)

Gene: MACF1 (microtubule actin crosslinking factor 1; plus strand). Cytogenetic location: 1p34.3.
Variant type: single nucleotide variant.
Coding change: c.11472C>T on transcript NM_001394062.1 (MANE Select); coding-DNA position 11472, C replaced by T.
Protein change: p.Ala3824=; no amino-acid change (alanine 3824 retained).
Molecular consequence: synonymous variant.
Genome position (GRCh38, 1-based): chr1:39,357,422, C>T. VCF-style: chr1-39357422-C-T. GRCh37 (hg19) VCF-style: chr1-39823094-C-T.
Other names: c.5286C>T, p.Ala1762= (NM_012090.5).
Identifiers: ClinVar variation 2719995 (VCV002719995.5), dbSNP rs368999283, ClinGen allele CA781603.

ClinVar aggregate classification (germline): Benign/Likely benign. Review status: criteria provided, multiple submitters, no conflicts (2 of 4 stars). 3 submissions from 3 submitters: Benign (1); Likely benign (2). Last evaluated 2025-09-08.

Conditions:
MACF1-related disorder. Also called: MACF1-related condition.

Allele frequency attached by ClinVar (database versions not stated): TOPMed 0.00008; ESP Exome Variant Server 0.00015; gnomAD 0.00015; gnomAD exomes 0.00017; ExAC 0.00023; 1000 Genomes Project 30x 0.00031; 1000 Genomes Project 0.00040.
gnomAD v4.1: 279 of 1,613,906 alleles (0.017%); highest among the groups gnomAD compares: South Asian, 0.14%; no homozygotes.

Submissions (3):

Labcorp Genetics (formerly Invitae), Labcorp
Classification: Benign. Last evaluated: 2025-09-08. Review status: criteria provided, single submitter. Criteria: Invitae Variant Classification Sherloc (09022015). Collection method: clinical testing. Allele origin: germline.

PreventionGenetics, part of Exact Sciences
Classification: Likely benign for MACF1-related condition. Last evaluated: 2024-10-17. Review status: criteria provided, single submitter. Criteria: ACMG Guidelines, 2015. Collection method: clinical testing. Allele origin: germline.
Comment: This variant is classified as likely benign based on ACMG/AMP sequence variant interpretation guidelines (Richards et al. 2015 PMID: 25741868, with internal and published modifications).

Blueprint Genetics
Classification: Likely benign. Last evaluated: 2024-04-25. Review status: criteria provided, single submitter. Criteria: ACMG Guidelines, 2015. Collection method: clinical testing. Allele origin: germline.